The following is an entry in ClinVar:

NM_003036.4(SKI):c.1993G>A (p.Ala665Thr)

Gene: SKI (SKI proto-oncogene; plus strand). Cytogenetic location: 1p36.32.
Variant type: single nucleotide variant.
Coding change: c.1993G>A on transcript NM_003036.4 (MANE Select); coding-DNA position 1993, G replaced by A.
Protein change: p.Ala665Thr; replaces alanine 665 with threonine.
Molecular consequence: missense variant.
Genome position (GRCh38, 1-based): chr1:2,306,245, G>A. VCF-style: chr1-2306245-G-A. GRCh37 (hg19) VCF-style: chr1-2237684-G-A.
Other names: short protein forms A665T.
Identifiers: ClinVar variation 640684 (VCV000640684.8), dbSNP rs1569866460, ClinGen allele CA337959411.

ClinVar aggregate classification (germline): Uncertain significance (1 of 4 stars; one submission).

Conditions:
Shprintzen-Goldberg syndrome (SGS). Also called: SHPRINTZEN-GOLDBERG CRANIOSYNOSTOSIS SYNDROME; CRANIOSYNOSTOSIS WITH ARACHNODACTYLY AND ABDOMINAL HERNIAS; Marfanoid disorder with craniosynostosis type 1; Marfanoid craniosynostosis syndrome; Shprintzen-Goldberg marfanoid syndrome. Identifiers: Orphanet 2462, MedGen C1321551, MONDO:0008426, OMIM 182212.

Submission:

Labcorp Genetics (formerly Invitae), Labcorp
Classification: Uncertain significance for Shprintzen-Goldberg syndrome. Last evaluated: 2023-05-25. Review status: criteria provided, single submitter. Criteria: Invitae Variant Classification Sherloc (09022015). Collection method: clinical testing. Allele origin: germline.
Comment: In summary, the available evidence is currently insufficient to determine the role of this variant in disease. Therefore, it has been classified as a Variant of Uncertain Significance. Advanced modeling of protein sequence and biophysical properties (such as structural, functional, and spatial information, amino acid conservation, physicochemical variation, residue mobility, and thermodynamic stability) has been performed at Invitae for this missense variant, however the output from this modeling did not meet the statistical confidence thresholds required to predict the impact of this variant on SKI protein function. ClinVar contains an entry for this variant (Variation ID: 640684). This variant has not been reported in the literature in individuals affected with SKI-related conditions. This variant is not present in population databases (gnomAD no frequency). This sequence change replaces alanine, which is neutral and non-polar, with threonine, which is neutral and polar, at codon 665 of the SKI protein (p.Ala665Thr).